The following is an entry in ClinVar:

ClinVar aggregate classification (germline): Uncertain significance (1 of 4 stars; one submission).

Conditions:
Immunodeficiency, common variable, 7. Identifiers: Orphanet 1572, Orphanet 696894, MedGen C3542922, MONDO:0013862, OMIM 614699.

Allele frequency attached by ClinVar (database versions not stated): TOPMed 0.00002; gnomAD 0.00001; gnomAD exomes 0.00001; ExAC 0.00003.
gnomAD v4.1: 13 of 1,613,854 alleles (0.00081%); highest among the groups gnomAD compares: African/African-American, 0.0027%; no homozygotes.

Submission:

Labcorp Genetics (formerly Invitae), Labcorp
Classification: Uncertain significance for Immunodeficiency, common variable, 7. Last evaluated: 2022-01-27. Review status: criteria provided, single submitter. Criteria: Invitae Variant Classification Sherloc (09022015). Collection method: clinical testing. Allele origin: germline.
Comment: This sequence change replaces arginine, which is basic and polar, with cysteine, which is neutral and slightly polar, at codon 56 of the CR2 protein (p.Arg56Cys). This variant is present in population databases (rs780129217, gnomAD 0.007%). This variant has not been reported in the literature in individuals affected with CR2-related conditions. Algorithms developed to predict the effect of missense changes on protein structure and function are either unavailable or do not agree on the potential impact of this missense change (SIFT: "Deleterious"; PolyPhen-2: "Probably Damaging"; Align-GVGD: "Class C15"). In summary, the available evidence is currently insufficient to determine the role of this variant in disease. Therefore, it has been classified as a Variant of Uncertain Significance.

NM_001006658.3(CR2):c.166C>T (p.Arg56Cys)

Gene: CR2 (complement C3d receptor 2; plus strand). Cytogenetic location: 1q32.2.
Variant type: single nucleotide variant.
Coding change: c.166C>T on transcript NM_001006658.3 (MANE Select); coding-DNA position 166, C replaced by T.
Protein change: p.Arg56Cys; replaces arginine 56 with cysteine.
Molecular consequence: missense variant.
Genome position (GRCh38, 1-based): chr1:207,466,633, C>T. VCF-style: chr1-207466633-C-T. GRCh37 (hg19) VCF-style: chr1-207639978-C-T.
Other names: c.166C>T, p.Arg56Cys (NM_001877.5); short protein forms R56C.
Identifiers: ClinVar variation 1395539 (VCV001395539.5), dbSNP rs780129217, ClinGen allele CA1368377.
Genomic context (GRCh38, chr1:207,466,633, plus strand): 5'-TATTATTCTACCCCCATTGCTGTTGGTACCGTGATAAGGTACAGTTGTTCAGGTACCTTC[C>T]GCCTCATTGGAGAAAAAAGTCTATTATGCATAACTAAAGACAAAGTGGATGGAACCTGGG-3'
Protein context (NP_001006659.1, residues 46-66): VIRYSCSGTF[Arg56Cys]LIGEKSLLCI